The following is an entry in ClinVar:

ClinVar aggregate classification (germline): Pathogenic. Review status: criteria provided, single submitter (1 of 4 stars). 2 submissions from 2 submitters: Pathogenic (1). 1 of the submissions does not count toward it. Last evaluated 2023-03-20.

Conditions:
Renal tubular acidosis, distal, 3, with or without sensorineural hearing loss (DRTA3). Identifiers: MedGen C5399980, MONDO:0011268, OMIM 602722.

Allele frequency attached by ClinVar (database versions not stated): gnomAD exomes below 0.00001.

Submissions (2):

Labcorp Genetics (formerly Invitae), Labcorp
Classification: Pathogenic. Last evaluated: 2023-03-20. Review status: criteria provided, single submitter. Criteria: Invitae Variant Classification Sherloc (09022015). Collection method: clinical testing. Allele origin: germline.
Comment: ClinVar contains an entry for this variant (Variation ID: 977293). For these reasons, this variant has been classified as Pathogenic. This premature translational stop signal has been observed in individual(s) with distal renal tubular acidosis (PMID: 16611712). This variant is not present in population databases (gnomAD no frequency). This sequence change creates a premature translational stop signal (p.Glu713Serfs*50) in the ATP6V0A4 gene. It is expected to result in an absent or disrupted protein product. Loss-of-function variants in ATP6V0A4 are known to be pathogenic (PMID: 12414817, 16611712).

OMIM
Classification: Pathogenic for RENAL TUBULAR ACIDOSIS, DISTAL, 3, WITH SENSORINEURAL HEARING LOSS. Last evaluated: 2020-08-28. Review status: no assertion criteria provided. Collection method: literature only. Allele origin: germline. Not counted in ClinVar's aggregate classification.

Literature cited by the submitters: PubMed 16611712 (cited by Labcorp Genetics (formerly Invitae), Labcorp and OMIM); PubMed 12414817 (cited by Labcorp Genetics (formerly Invitae), Labcorp).

NM_020632.3(ATP6V0A4):c.2137del (p.Glu713fs)

Gene: ATP6V0A4 (ATPase H+ transporting V0 subunit a4; minus strand). Cytogenetic location: 7q34.
Variant type: Deletion.
Coding change: c.2137del on transcript NM_020632.3 (MANE Select); coding-DNA position 2137, one base deleted (G; older notation c.2137delG).
Protein change: p.Glu713fs; shifts the reading frame from glutamic acid 713.
Molecular consequence: frameshift variant.
Genome position (GRCh38, 1-based): chr7:138,721,899, C deleted on the plus strand (G on the coding strand, the reverse complement: ATP6V0A4 is on the minus strand). VCF-style (leftmost placement, unchanged base first): chr7-138721898-TC-T. GRCh37 (hg19) VCF-style: chr7-138406643-TC-T.
Other names: c.2137del, p.Glu713fs (NM_130840.3, NM_130841.3); short protein forms E713fs.
Identifiers: ClinVar variation 977293 (VCV000977293.6), dbSNP rs1804439932, ClinGen allele CA1139660278.
Genomic context (GRCh38, chr7:138,721,898, plus strand): 5'-TCCATTCTAGAATTTGTACAAACTGGGGAGTCTTCCTCAGGGGCTCTCGTCCCAGATACC[TC>T]TTCTCCATGGTCGTCCAGAGCCCCGTGGGTATCTGCAGAAGTCCTCTGGCCAGAACGGCT-3'